The following is an entry in ClinVar:

ClinVar aggregate classification (germline): Pathogenic/Likely pathogenic. Review status: criteria provided, multiple submitters, no conflicts (2 of 4 stars). 2 submissions from 2 submitters: Pathogenic (1); Likely pathogenic (1). Last evaluated 2022-11-01.

Conditions:
Congenital muscular dystrophy due to integrin alpha-7 deficiency. Also called: MYOPATHY, CONGENITAL, DUE TO INTEGRIN ALPHA-7 DEFICIENCY; Congenital muscular dystrophy with integrin alpha-7 deficiency; Muscular dystrophy, congenital, due to ITGA7 deficiency. Identifiers: Orphanet 34520, MedGen C2750786, MONDO:0013177, OMIM 613204.

Allele frequency attached by ClinVar (database versions not stated): gnomAD exomes below 0.00001.
gnomAD v4.1: 2 of 1,611,288 alleles (0.00012%); highest among the groups gnomAD compares: Non-Finnish European, 0.00017%; no homozygotes.

Submissions (2):

Labcorp Genetics (formerly Invitae), Labcorp
Classification: Pathogenic for Congenital muscular dystrophy due to integrin alpha-7 deficiency. Last evaluated: 2022-11-01. Review status: criteria provided, single submitter. Criteria: Invitae Variant Classification Sherloc (09022015). Collection method: clinical testing. Allele origin: germline.
Comment: This sequence change creates a premature translational stop signal (p.Gln76*) in the ITGA7 gene. It is expected to result in an absent or disrupted protein product. Loss-of-function variants in ITGA7 are known to be pathogenic (PMID: 9590299). For these reasons, this variant has been classified as Pathogenic. ClinVar contains an entry for this variant (Variation ID: 1324589). This variant has not been reported in the literature in individuals affected with ITGA7-related conditions. This variant is not present in population databases (gnomAD no frequency).

Revvity Omics, Revvity
Classification: Likely pathogenic for Congenital muscular dystrophy due to integrin alpha-7 deficiency. Last evaluated: 2020-03-11. Review status: criteria provided, single submitter. Criteria: ACMG Guidelines, 2015. Collection method: clinical testing. Allele origin: germline.

Literature cited by the submitters: PubMed 9590299 (cited by Labcorp Genetics (formerly Invitae), Labcorp).

NM_002206.3(ITGA7):c.226C>T (p.Gln76Ter)

Gene: ITGA7 (integrin subunit alpha 7; minus strand). Cytogenetic location: 12q13.2.
Variant type: single nucleotide variant.
Coding change: c.226C>T on transcript NM_002206.3 (MANE Select); coding-DNA position 226, C replaced by T.
Protein change: p.Gln76Ter; replaces glutamine 76 with a stop codon.
Molecular consequence: nonsense. On other transcripts: 5 prime UTR variant (3), intron variant (1).
Genome position (GRCh38, 1-based): chr12:55,703,159, G>A on the plus strand (C>T on the coding strand, the complement: ITGA7 is on the minus strand). VCF-style: chr12-55703159-G-A. GRCh37 (hg19) VCF-style: chr12-56096943-G-A.
Other names: c.226C>T, p.Gln76Ter (NM_001144996.2, NM_001374465.1, NM_001410977.1 and 6 more transcripts); c.-114C>T (NM_001367993.1, NM_001414035.1); c.-947C>T (NM_001367994.1); c.86-1743C>T (NM_001144997.2); short protein forms Q76*.
Identifiers: ClinVar variation 1324589 (VCV001324589.7), dbSNP rs2136073462, ClinGen allele CA385193965.